The following is an entry in ClinVar:

ClinVar aggregate classification (germline): Uncertain significance (1 of 4 stars; one submission).

Submission:

Labcorp Genetics (formerly Invitae), Labcorp
Classification: Uncertain significance. Last evaluated: 2022-03-23. Review status: criteria provided, single submitter. Criteria: Invitae Variant Classification Sherloc (09022015). Collection method: clinical testing. Allele origin: germline.
Comment: In summary, the available evidence is currently insufficient to determine the role of this variant in disease. Therefore, it has been classified as a Variant of Uncertain Significance. This variant has not been reported in the literature in individuals affected with USH2A-related conditions. This variant results in a copy number gain of the genomic region encompassing exon(s) 1-11 of the USH2A gene. This region includes the initiator codon of the gene. This copy number gain extends beyond the assayed region for this gene and therefore may encompass additional genes. As the precise location of this event is unknown, it may be in tandem or it may be located elsewhere in the genome.

NC_000001.10:g.(?_216462612)_(216596610_?)dup

Gene: USH2A (usherin; minus strand). Cytogenetic location: 1q41.
Variant type: Duplication.
Identifiers: ClinVar variation 2427751 (VCV002427751.4).